The following is an entry in ClinVar:

NM_017950.4(CCDC40):c.1415G>A (p.Arg472Gln)

Gene: CCDC40 (coiled-coil domain 40 molecular ruler complex subunit; plus strand). Cytogenetic location: 17q25.3.
Variant type: single nucleotide variant.
Coding change: c.1415G>A on transcript NM_017950.4 (MANE Select); coding-DNA position 1415, G replaced by A.
Protein change: p.Arg472Gln; replaces arginine 472 with glutamine.
Molecular consequence: missense variant.
Genome position (GRCh38, 1-based): chr17:80,058,955, G>A. VCF-style: chr17-80058955-G-A. GRCh37 (hg19) VCF-style: chr17-78032754-G-A.
Other names: c.1415G>A, p.Arg472Gln (NM_001243342.2, NM_001330508.2); short protein forms R472Q.
Identifiers: ClinVar variation 837038 (VCV000837038.8), dbSNP rs780647441, ClinGen allele CA8813814.

ClinVar aggregate classification (germline): Uncertain significance (1 of 4 stars; one submission).

Conditions:
Primary ciliary dyskinesia. Also called: Ciliary dyskinesia. Identifiers: Orphanet 244, MedGen C0008780, MONDO:0016575, HP:0012265.

Allele frequency attached by ClinVar (database versions not stated): gnomAD 0.00002 and 0.00003; TOPMed 0.00002; gnomAD exomes 0.00003 and 0.00005; ExAC 0.00005.
gnomAD v4.1: 47 of 1,614,008 alleles (0.0029%); highest among the groups gnomAD compares: South Asian, 0.033%; no homozygotes.

Submission:

Labcorp Genetics (formerly Invitae), Labcorp
Classification: Uncertain significance for Primary ciliary dyskinesia. Last evaluated: 2024-10-23. Review status: criteria provided, single submitter. Criteria: Invitae Variant Classification Sherloc (09022015). Collection method: clinical testing. Allele origin: germline.
Comment: This sequence change replaces arginine, which is basic and polar, with glutamine, which is neutral and polar, at codon 472 of the CCDC40 protein (p.Arg472Gln). The frequency data for this variant in the population databases is considered unreliable, as metrics indicate poor data quality at this position in the gnomAD database. This variant has not been reported in the literature in individuals affected with CCDC40-related conditions. ClinVar contains an entry for this variant (Variation ID: 837038). Invitae Evidence Modeling of protein sequence and biophysical properties (such as structural, functional, and spatial information, amino acid conservation, physicochemical variation, residue mobility, and thermodynamic stability) indicates that this missense variant is not expected to disrupt CCDC40 protein function with a negative predictive value of 80%. In summary, the available evidence is currently insufficient to determine the role of this variant in disease. Therefore, it has been classified as a Variant of Uncertain Significance.